The following is an entry in ClinVar:

ClinVar aggregate classification (germline): Uncertain significance (1 of 4 stars; one submission).

Conditions:
Charcot-Marie-Tooth Neuropathy X. Identifiers: MedGen CN118851.

Submission:

Labcorp Genetics (formerly Invitae), Labcorp
Classification: Uncertain significance for Charcot-Marie-Tooth Neuropathy X. Last evaluated: 2022-05-07. Review status: criteria provided, single submitter. Criteria: Invitae Variant Classification Sherloc (09022015). Collection method: clinical testing. Allele origin: germline.
Comment: In summary, the available evidence is currently insufficient to determine the role of this variant in disease. Therefore, it has been classified as a Variant of Uncertain Significance. Algorithms developed to predict the effect of missense changes on protein structure and function (SIFT, PolyPhen-2, Align-GVGD) all suggest that this variant is likely to be disruptive. This variant has not been reported in the literature in individuals affected with GJB1-related conditions. This variant is not present in population databases (gnomAD no frequency). This sequence change replaces glycine, which is neutral and non-polar, with valine, which is neutral and non-polar, at codon 110 of the GJB1 protein (p.Gly110Val).

NM_000166.6(GJB1):c.329G>T (p.Gly110Val)

Gene: GJB1 (gap junction protein beta 1; plus strand). Cytogenetic location: Xq13.1.
Variant type: single nucleotide variant.
Coding change: c.329G>T on transcript NM_000166.6 (MANE Select); coding-DNA position 329, G replaced by T.
Protein change: p.Gly110Val; replaces glycine 110 with valine.
Molecular consequence: missense variant.
Genome position (GRCh38, 1-based): chrX:71,224,036, G>T. VCF-style: chrX-71224036-G-T. GRCh37 (hg19) VCF-style: chrX-70443886-G-T.
Other names: c.329G>T, p.Gly110Val (NM_001097642.3); short protein forms G110V.
Identifiers: ClinVar variation 2134983 (VCV002134983.4), dbSNP rs1555937145, ClinGen allele CA413501935.